The following is an entry in ClinVar:

NM_004115.4(FGF14):c.564del (p.Thr190fs)

Gene: FGF14 (fibroblast growth factor 14; minus strand). Cytogenetic location: 13q33.1.
Variant type: Deletion.
Coding change: c.564del on transcript NM_004115.4 (MANE Select); coding-DNA position 564, one base deleted (G; older notation c.564delG).
Protein change: p.Thr190fs; shifts the reading frame from threonine 190.
Molecular consequence: frameshift variant.
Genome position (GRCh38, 1-based): chr13:101,726,655, C deleted on the plus strand (G on the coding strand, the reverse complement: FGF14 is on the minus strand). VCF-style (leftmost placement, unchanged base first): chr13-101726654-TC-T. GRCh37 (hg19) VCF-style: chr13-102379004-TC-T.
Other names: p.Thr190Profs*34; c.312del, p.Thr106fs (NM_001321931.1, NM_001321934.1, NM_001321935.1 and 4 more transcripts); c.375del, p.Thr127fs (NM_001321932.1, NM_001321936.1, NM_001321944.1); c.384del, p.Thr130fs (NM_001321933.1, NM_001321938.2, NM_001321940.1); c.468del, p.Thr158fs (NM_001321939.2); c.378del, p.Thr128fs (NM_001321941.2); c.462del, p.Thr156fs (NM_001321945.2, NM_001321948.2, NM_001379342.1); c.423del, p.Thr143fs (NM_001321947.2); and 2 more; short protein forms T106fs, T127fs, T128fs, T130fs, T143fs, T156fs, T158fs, T190fs.
Identifiers: ClinVar variation 995364 (VCV000995364.2), dbSNP rs2035456443, ClinGen allele CA1139663075.
Genomic context (GRCh38, chr13:101,726,654, plus strand): 5'-TGCATGCATAATACTCACCTTCCAATGGCTTGGGTAGAAAATGAGCTGCTGGTTTGGTTT[TC>T]TTTACTCTGTTCCCTTTCATAGCTTGCCCTTCCTTATTTAATCCCAAAAACCAGGCTCTA-3'

ClinVar aggregate classification (germline): Pathogenic/Likely pathogenic. Review status: criteria provided, multiple submitters, no conflicts (2 of 4 stars). 2 submissions from 2 submitters: Pathogenic (1); Likely pathogenic (1). Last evaluated 2023-02-27.

Submissions (2):

Mayo Clinic Laboratories, Mayo Clinic
Classification: Likely pathogenic. Last evaluated: 2023-02-27. Review status: criteria provided, single submitter. Criteria: ACMG Guidelines, 2015. Collection method: clinical testing. Allele origin: germline. Observed: 1 variant allele.
Comment: PM2, PVS1_strong

Athena Diagnostics
Classification: Pathogenic. Last evaluated: 2019-11-14. Review status: criteria provided, single submitter. Criteria: Athena Diagnostics Criteria. Collection method: clinical testing. Allele origin: unknown.
Comment: The variant results in a shift of the reading frame, and is therefore predicted to result in the loss of a functional protein. Found in at least one patient with expected phenotype for this gene, and not found in general population data.